The following is an entry in ClinVar:

NM_015896.4(ZMYND10):c.600-15C>A

Gene: ZMYND10 (zinc finger MYND-type containing 10; minus strand). Cytogenetic location: 3p21.31.
Variant type: single nucleotide variant.
Coding change: c.600-15C>A on transcript NM_015896.4 (MANE Select); 15 bases into the intron before coding-DNA position 600, C replaced by A.
Molecular consequence: intron variant.
Genome position (GRCh38, 1-based): chr3:50,343,033, G>T on the plus strand (C>A on the coding strand, the complement: ZMYND10 is on the minus strand). VCF-style: chr3-50343033-G-T. GRCh37 (hg19) VCF-style: chr3-50380464-G-T.
Other names: c.599+85C>A (NM_001308379.2).
Identifiers: ClinVar variation 2187554 (VCV002187554.4), dbSNP rs774249609, ClinGen allele CA74632108.

ClinVar aggregate classification (germline): Uncertain significance (1 of 4 stars; one submission).

Conditions:
Primary ciliary dyskinesia. Also called: Ciliary dyskinesia. Identifiers: Orphanet 244, MedGen C0008780, MONDO:0016575, HP:0012265.

gnomAD v4.1: 3 of 1,613,996 alleles (0.00019%); highest among the groups gnomAD compares: Middle Eastern, 0.05%; no homozygotes.

Submission:

Labcorp Genetics (formerly Invitae), Labcorp
Classification: Uncertain significance for Primary ciliary dyskinesia. Last evaluated: 2022-05-28. Review status: criteria provided, single submitter. Criteria: Invitae Variant Classification Sherloc (09022015). Collection method: clinical testing. Allele origin: germline.
Comment: This sequence change falls in intron 6 of the ZMYND10 gene. It does not directly change the encoded amino acid sequence of the ZMYND10 protein. This variant is not present in population databases (gnomAD no frequency). This variant has not been reported in the literature in individuals affected with ZMYND10-related conditions. Algorithms developed to predict the effect of sequence changes on RNA splicing suggest that this variant may disrupt the consensus splice site. In summary, the available evidence is currently insufficient to determine the role of this variant in disease. Therefore, it has been classified as a Variant of Uncertain Significance.